The following is an entry in ClinVar:

NM_144596.4(TTC8):c.418A>G (p.Arg140Gly)

Gene: TTC8 (tetratricopeptide repeat domain 8; plus strand). Cytogenetic location: 14q31.3.
Variant type: single nucleotide variant.
Coding change: c.418A>G on transcript NM_144596.4 (MANE Select); coding-DNA position 418, A replaced by G.
Protein change: p.Arg140Gly; replaces arginine 140 with glycine.
Molecular consequence: missense variant. On other transcripts: 5 prime UTR variant (2), non-coding transcript variant (1).
Genome position (GRCh38, 1-based): chr14:88,841,125, A>G. VCF-style: chr14-88841125-A-G. GRCh37 (hg19) VCF-style: chr14-89307469-A-G.
Other names: c.388A>G, p.Arg130Gly (NM_001288781.1, NM_001366535.2, NM_001366536.2 and 2 more transcripts); c.-175A>G (NM_001288782.1); c.-270A>G (NM_001288783.1); short protein forms R140G, R130G.
Identifiers: ClinVar variation 1518408 (VCV001518408.9), dbSNP rs2140976960, ClinGen allele CA390574677.

ClinVar aggregate classification (germline): Uncertain significance. Review status: criteria provided, multiple submitters, no conflicts (2 of 4 stars). 2 submissions from 2 submitters: Uncertain significance (2). Last evaluated 2022-09-13.

Conditions:
Bardet-Biedl syndrome (BBS). Identifiers: Orphanet 110, MedGen C0752166, MONDO:0015229.

Allele frequency attached by ClinVar (database versions not stated): gnomAD exomes below 0.00001.

Submissions (2):

Labcorp Genetics (formerly Invitae), Labcorp
Classification: Uncertain significance for Bardet-Biedl syndrome. Last evaluated: 2022-09-13. Review status: criteria provided, single submitter. Criteria: Invitae Variant Classification Sherloc (09022015). Collection method: clinical testing. Allele origin: germline.
Comment: In summary, the available evidence is currently insufficient to determine the role of this variant in disease. Therefore, it has been classified as a Variant of Uncertain Significance. Advanced modeling of protein sequence and biophysical properties (such as structural, functional, and spatial information, amino acid conservation, physicochemical variation, residue mobility, and thermodynamic stability) performed at Invitae indicates that this missense variant is not expected to disrupt TTC8 protein function. This variant has not been reported in the literature in individuals affected with TTC8-related conditions. ClinVar contains an entry for this variant (Variation ID: 1518408). This variant is not present in population databases (gnomAD no frequency). This sequence change replaces arginine, which is basic and polar, with glycine, which is neutral and non-polar, at codon 130 of the TTC8 protein (p.Arg130Gly).

Blueprint Genetics
Classification: Uncertain significance. Last evaluated: 2019-10-31. Review status: criteria provided, single submitter. Criteria: ACMG Guidelines, 2015. Collection method: clinical testing. Allele origin: germline.